The following is an entry in ClinVar:

NM_004990.4(MARS1):c.2053G>A (p.Val685Ile)

Gene: MARS1 (methionyl-tRNA synthetase 1; plus strand). Cytogenetic location: 12q13.3.
Variant type: single nucleotide variant.
Coding change: c.2053G>A on transcript NM_004990.4 (MANE Select); coding-DNA position 2053, G replaced by A.
Protein change: p.Val685Ile; replaces valine 685 with isoleucine.
Molecular consequence: missense variant.
Genome position (GRCh38, 1-based): chr12:57,514,805, G>A. VCF-style: chr12-57514805-G-A. GRCh37 (hg19) VCF-style: chr12-57908588-G-A.
Other names: short protein forms V685I.
Identifiers: ClinVar variation 475418 (VCV000475418.16), dbSNP rs558631075, ClinGen allele CA237772045.
Genomic context (GRCh38, chr12:57,514,805, plus strand): 5'-TTTGGGGGCTATGTGCCTGAGATGGTGCTCACCCCTGATGATCAGCGCCTGCTGGCCCAT[G>A]TCACCCTGGAGCTCCAGCACTATCACCAGCTACTTGAGAAGGTTCGGTAAGTAACTGACA-3'
Protein context (NP_004981.2, residues 675-695): TPDDQRLLAH[Val685Ile]TLELQHYHQL

ClinVar aggregate classification (germline): Conflicting classifications of pathogenicity. Review status: criteria provided, conflicting classifications (1 of 4 stars). 4 submissions from 4 submitters: Uncertain significance (3); Likely benign (1). Last evaluated 2026-03-24.

Conditions:
Severe early-onset pulmonary alveolar proteinosis due to MARS deficiency. Also called: PULMONARY ALVEOLAR PROTEINOSIS, REUNION ISLAND; Interstitial lung and liver disease. Identifiers: Orphanet 440427, MedGen C4225400, MONDO:0014206, OMIM 615486.
Charcot-Marie-Tooth disease axonal type 2U. Also called: CHARCOT-MARIE-TOOTH NEUROPATHY, TYPE 2U; CHARCOT-MARIE-TOOTH DISEASE, AXONAL, AUTOSOMAL DOMINANT, TYPE 2U. Identifiers: Orphanet 397735, MedGen C4084821, MONDO:0014566, OMIM 616280.

Allele frequency attached by ClinVar (database versions not stated): gnomAD exomes 0.00001 and 0.00002; TOPMed 0.00002; gnomAD 0.00003 and 0.00004.
gnomAD v4.1: 37 of 1,614,084 alleles (0.0023%); highest among the groups gnomAD compares: African/African-American, 0.004%; no homozygotes.

Submissions (4):

Women's Health and Genetics/Laboratory Corporation of America, LabCorp
Classification: Uncertain significance. Last evaluated: 2026-03-24. Review status: criteria provided, single submitter. Criteria: LabCorp Variant Classification Summary - May 2015. Collection method: clinical testing. Allele origin: germline.
Comment: Variant summary: MARS1 c.2053G>A (p.Val685Ile) results in a conservative amino acid change in the encoded protein sequence. Algorithms developed to predict the effect of missense changes on protein structure and function are either unavailable or do not agree on the potential impact of this missense change. The variant allele was found at a frequency of 1.4e-05 in 282848 control chromosomes. The available data on variant occurrences in the general population are insufficient to allow any conclusion about variant significance. To our knowledge, no occurrence of c.2053G>A in individuals affected with MARS1-related conditions and no experimental evidence demonstrating its impact on protein function have been reported. ClinVar contains an entry for this variant (Variation ID: 475418). Based on the evidence outlined above, the variant was classified as uncertain significance.

Ambry Genetics
Classification: Likely benign. Last evaluated: 2025-09-26. Review status: criteria provided, single submitter. Criteria: Ambry Variant Classification Scheme 2023. Collection method: clinical testing. Allele origin: germline.

Labcorp Genetics (formerly Invitae), Labcorp
Classification: Uncertain significance for Charcot-Marie-Tooth disease axonal type 2U; Severe early-onset pulmonary alveolar proteinosis due to MARS deficiency. Last evaluated: 2025-05-13. Review status: criteria provided, single submitter. Criteria: Invitae Variant Classification Sherloc (09022015). Collection method: clinical testing. Allele origin: germline.
Comment: This sequence change replaces valine, which is neutral and non-polar, with isoleucine, which is neutral and non-polar, at codon 685 of the MARS protein (p.Val685Ile). This variant is present in population databases (rs558631075, gnomAD 0.004%). This variant has not been reported in the literature in individuals affected with MARS-related conditions. ClinVar contains an entry for this variant (Variation ID: 475418). An algorithm developed to predict the effect of missense changes on protein structure and function outputs the following: PolyPhen-2: "Benign". The isoleucine amino acid residue is found in multiple mammalian species, which suggests that this missense change does not adversely affect protein function. In summary, the available evidence is currently insufficient to determine the role of this variant in disease. Therefore, it has been classified as a Variant of Uncertain Significance.

ARUP Laboratories, Molecular Genetics and Genomics, ARUP Laboratories
Classification: Uncertain significance. Last evaluated: 2018-10-09. Review status: criteria provided, single submitter. Criteria: ARUP Molecular Germline Variant Investigation Process. Collection method: clinical testing. Allele origin: germline.
Comment: The MARS c.2053G>A; p.Val685Ile variant (rs558631075), to our knowledge, is not reported in the medical literature but is reported in ClinVar (Variation ID: 475418). This variant is found in the general population with an overall allele frequency of 0.001% (4/277,206 alleles) in the Genome Aggregation Database. The valine at codon 685 is moderately conserved, and computational analyses (SIFT, PolyPhen-2) predict that this variant is tolerated. Due to limited information, the clinical significance of the p.Val685Ile variant is uncertain at this time.